The following is an entry in ClinVar:

NM_177438.3(DICER1):c.439G>C (p.Val147Leu)

Gene: DICER1 (dicer 1, ribonuclease III; minus strand). Cytogenetic location: 14q32.13.
Variant type: single nucleotide variant.
Coding change: c.439G>C on transcript NM_177438.3 (MANE Select); coding-DNA position 439, G replaced by C.
Protein change: p.Val147Leu; replaces valine 147 with leucine.
Molecular consequence: missense variant. On other transcripts: 5 prime UTR variant (1), non-coding transcript variant (6), intron variant (1).
Genome position (GRCh38, 1-based): chr14:95,130,192, C>G on the plus strand (G>C on the coding strand, the complement: DICER1 is on the minus strand). VCF-style: chr14-95130192-C-G. GRCh37 (hg19) VCF-style: chr14-95596529-C-G.
Other names: c.439G>C, p.Val147Leu (NM_001395694.1, NM_001395695.1, NM_001195573.1 and 15 more transcripts); c.157G>C, p.Val53Leu (NM_001395686.1); c.34G>C, p.Val12Leu (NM_001395687.1, NM_001395688.1, NM_001395689.1 and 3 more transcripts); c.-1130G>C (NM_001395697.1); c.-20-109G>C (NM_001395691.1); short protein forms V53L, V12L, V147L.
Identifiers: ClinVar variation 2701418 (VCV002701418.3), dbSNP rs1566811995, ClinGen allele CA390888617.

ClinVar aggregate classification (germline): Uncertain significance (1 of 4 stars; one submission).

Conditions:
DICER1-related tumor predisposition. Also called: DICER1-related pleuropulmonary blastoma cancer predisposition syndrome; DICER1 syndrome. Identifiers: Orphanet 284343, MedGen C3839822, MONDO:0100216.

Submission:

Labcorp Genetics (formerly Invitae), Labcorp
Classification: Uncertain significance for DICER1-related tumor predisposition. Last evaluated: 2023-12-08. Review status: criteria provided, single submitter. Criteria: Invitae Variant Classification Sherloc (09022015). Collection method: clinical testing. Allele origin: germline.
Comment: This sequence change replaces valine, which is neutral and non-polar, with leucine, which is neutral and non-polar, at codon 147 of the DICER1 protein (p.Val147Leu). This variant is not present in population databases (gnomAD no frequency). This variant has not been reported in the literature in individuals affected with DICER1-related conditions. An algorithm developed to predict the effect of missense changes on protein structure and function (PolyPhen-2) suggests that this variant is likely to be disruptive. In summary, the available evidence is currently insufficient to determine the role of this variant in disease. Therefore, it has been classified as a Variant of Uncertain Significance.